The following is an entry in ClinVar:

ClinVar aggregate classification (germline): Uncertain significance. Review status: criteria provided, multiple submitters, no conflicts (2 of 4 stars). 4 submissions from 4 submitters: Uncertain significance (4). Last evaluated 2026-08-11.

Conditions:
Inborn genetic diseases. Identifiers: MedGen C0950123, MeSH D030342.
Joubert syndrome. Also called: Familial aplasia of the vermis; JOUBERT-BOLTSHAUSER SYNDROME. Identifiers: Orphanet 475, MedGen C5979921, MONDO:0018772.
INPP5E-related disorder. Also called: INPP5E-related condition.

Allele frequency attached by ClinVar (database versions not stated): gnomAD exomes 0.00001 and 0.00002; ExAC 0.00002; TOPMed 0.00004.

Submissions (4):

PreventionGenetics, part of Exact Sciences
Classification: Uncertain significance for INPP5E-related condition. Last evaluated: 2026-08-11. Review status: criteria provided, single submitter. Criteria: ACMG Guidelines, 2015. Collection method: clinical testing. Allele origin: germline.
Comment: The INPP5E c.1441C>T variant is predicted to result in the amino acid substitution p.Arg481Cys. To our knowledge, this variant has not been reported in the literature. This variant is reported in 0.0051% of alleles in individuals of East Asian descent in gnomAD. At this time, the clinical significance of this variant is uncertain due to the absence of conclusive functional and genetic evidence.

Labcorp Genetics (formerly Invitae), Labcorp
Classification: Uncertain significance for Joubert syndrome. Last evaluated: 2025-01-23. Review status: criteria provided, single submitter. Criteria: Invitae Variant Classification Sherloc (09022015). Collection method: clinical testing. Allele origin: germline.
Comment: This sequence change replaces arginine, which is basic and polar, with cysteine, which is neutral and slightly polar, at codon 481 of the INPP5E protein (p.Arg481Cys). This variant is present in population databases (rs761179746, gnomAD 0.005%). This variant has not been reported in the literature in individuals affected with INPP5E-related conditions. ClinVar contains an entry for this variant (Variation ID: 954668). Invitae Evidence Modeling of protein sequence and biophysical properties (such as structural, functional, and spatial information, amino acid conservation, physicochemical variation, residue mobility, and thermodynamic stability) indicates that this missense variant is expected to disrupt INPP5E protein function with a positive predictive value of 95%. In summary, the available evidence is currently insufficient to determine the role of this variant in disease. Therefore, it has been classified as a Variant of Uncertain Significance.

Ambry Genetics
Classification: Uncertain significance for Inborn genetic diseases. Last evaluated: 2024-01-29. Review status: criteria provided, single submitter. Criteria: Ambry Variant Classification Scheme 2023. Collection method: clinical testing. Allele origin: germline.

Blueprint Genetics
Classification: Uncertain significance. Last evaluated: 2022-07-07. Review status: criteria provided, single submitter. Criteria: ACMG Guidelines, 2015. Collection method: clinical testing. Allele origin: germline.

NM_019892.6(INPP5E):c.1441C>T (p.Arg481Cys)

Gene: INPP5E (inositol polyphosphate-5-phosphatase E; minus strand). Cytogenetic location: 9q34.3.
Variant type: single nucleotide variant.
Coding change: c.1441C>T on transcript NM_019892.6 (MANE Select); coding-DNA position 1441, C replaced by T.
Protein change: p.Arg481Cys; replaces arginine 481 with cysteine.
Molecular consequence: missense variant.
Genome position (GRCh38, 1-based): chr9:136,431,932, G>A on the plus strand (C>T on the coding strand, the complement: INPP5E is on the minus strand). VCF-style: chr9-136431932-G-A. GRCh37 (hg19) VCF-style: chr9-139326384-G-A.
Other names: c.1438C>T, p.Arg480Cys (NM_001318502.2); c.1441C>T (NM_019892.5); short protein forms R481C, R480C.
Identifiers: ClinVar variation 954668 (VCV000954668.12), dbSNP rs761179746, ClinGen allele CA5336795.